The following is an entry in ClinVar:

ClinVar aggregate classification (germline): Likely benign (0 of 4 stars; one submission).

Conditions:
SLC25A5-related disorder. Also called: SLC25A5-related condition.

Allele frequency attached by ClinVar (database versions not stated): ExAC 0.00010; 1000 Genomes Project 30x 0.26056.

Submission:

PreventionGenetics, part of Exact Sciences
Classification: Likely benign for SLC25A5-related condition. Last evaluated: 2019-10-17. Review status: no assertion criteria provided. Collection method: clinical testing. Allele origin: germline.
Comment: This variant is classified as likely benign based on ACMG/AMP sequence variant interpretation guidelines (Richards et al. 2015 PMID: 25741868, with internal and published modifications).

NM_001152.5(SLC25A5):c.672C>T (p.Ala224=)

Gene: SLC25A5 (solute carrier family 25 member 5; plus strand). Cytogenetic location: Xq24.
Variant type: single nucleotide variant.
Coding change: c.672C>T on transcript NM_001152.5 (MANE Select); coding-DNA position 672, C replaced by T.
Protein change: p.Ala224=; no amino-acid change (alanine 224 retained).
Molecular consequence: synonymous variant.
Genome position (GRCh38, 1-based): chrX:119,470,446, C>T. VCF-style: chrX-119470446-C-T. GRCh37 (hg19) VCF-style: chrX-118604409-C-T.
Identifiers: ClinVar variation 3059056 (VCV003059056.2), dbSNP rs201855156, ClinGen allele CA10502116.